The following is an entry in ClinVar:

NM_015215.4(CAMTA1):c.4711A>G (p.Thr1571Ala)

Gene: CAMTA1 (calmodulin binding transcription activator 1; plus strand). Cytogenetic location: 1p36.23.
Variant type: single nucleotide variant.
Coding change: c.4711A>G on transcript NM_015215.4 (MANE Select); coding-DNA position 4711, A replaced by G.
Protein change: p.Thr1571Ala; replaces threonine 1571 with alanine.
Molecular consequence: missense variant.
Genome position (GRCh38, 1-based): chr1:7,751,220, A>G. VCF-style: chr1-7751220-A-G. GRCh37 (hg19) VCF-style: chr1-7811280-A-G.
Other names: c.1444A>G, p.Thr482Ala (NM_001349625.2, NM_001349626.2, NM_001349623.1 and 1 more transcripts); c.4372A>G, p.Thr1458Ala (NM_001410737.1); c.4300A>G, p.Thr1434Ala (NM_001410738.1); c.4621A>G, p.Thr1541Ala (NM_001349608.2); c.4393A>G, p.Thr1465Ala (NM_001349609.2, NM_001349610.2); c.4303A>G, p.Thr1435Ala (NM_001349612.2); c.1840A>G, p.Thr614Ala (NM_001349613.1); c.1804A>G, p.Thr602Ala (NM_001349614.1, NM_001349615.2, NM_001349616.2); and 2 more; short protein forms T1434A, T1435A, T1458A, T1465A, T1541A, T1571A, T482A, T489A.
Identifiers: ClinVar variation 4540291 (VCV004540291.1).

ClinVar aggregate classification (germline): Uncertain significance (1 of 4 stars; one submission).

Submission:

GeneDx
Classification: Uncertain significance. Last evaluated: 2025-06-26. Review status: criteria provided, single submitter. Criteria: GeneDx Variant Classification Process June 2021. Collection method: clinical testing. Allele origin: germline. Affected: yes.
Comment: Not observed at significant frequency in large population cohorts (gnomAD); In silico analysis supports that this missense variant has a deleterious effect on protein structure/function; Has not been previously published as pathogenic or benign to our knowledge